The following is an entry in ClinVar:

NM_006514.4(SCN10A):c.446G>A (p.Arg149Gln)

Gene: SCN10A (sodium voltage-gated channel alpha subunit 10; minus strand). Cytogenetic location: 3p22.2.
Variant type: single nucleotide variant.
Coding change: c.446G>A on transcript NM_006514.4 (MANE Select); coding-DNA position 446, G replaced by A.
Protein change: p.Arg149Gln; replaces arginine 149 with glutamine.
Molecular consequence: missense variant.
Genome position (GRCh38, 1-based): chr3:38,788,980, C>T on the plus strand (G>A on the coding strand, the complement: SCN10A is on the minus strand). VCF-style: chr3-38788980-C-T. GRCh37 (hg19) VCF-style: chr3-38830471-C-T.
Other names: c.446G>A, p.Arg149Gln (NM_001293306.2, NM_001293307.2); short protein forms R149Q.
Identifiers: ClinVar variation 393033 (VCV000393033.11), dbSNP rs201706560, ClinGen allele CA2321203.

ClinVar aggregate classification (germline): Conflicting classifications of pathogenicity. Review status: criteria provided, conflicting classifications (1 of 4 stars). 5 submissions from 5 submitters: Uncertain significance (3); Likely benign (2). Last evaluated 2026-09-13.

Conditions:
SCN10A-related disorder. Also called: SCN10A-related condition.
Cardiovascular phenotype. Identifiers: MedGen CN230736.
Brugada syndrome. Also called: Sudden unexpected nocturnal death syndrome; Sudden Unexplained Death Syndrome; Sudden Unexplained Nocturnal Death Syndrome (SUNDS); Sudden unexplained nocturnal death syndrome. Identifiers: Orphanet 130, MedGen C1142166, MONDO:0015263.

Allele frequency attached by ClinVar (database versions not stated): ExAC 0.00003; gnomAD exomes 0.00005; gnomAD 0.00008 and 0.00009; TOPMed 0.00009; 1000 Genomes Project 0.00020; 1000 Genomes Project 30x 0.00031.

Submissions (5):

GeneDx
Classification: Uncertain significance. Last evaluated: 2026-09-13. Review status: criteria provided, single submitter. Criteria: GeneDx Variant Classification Process June 2021. Collection method: clinical testing. Allele origin: germline.
Comment: In silico analysis suggests that this missense variant does not alter protein structure/function; Has not been previously published as pathogenic or benign to our knowledge; This variant is associated with the following publications: (PMID: 30664616)

PreventionGenetics, part of Exact Sciences
Classification: Uncertain significance for SCN10A-related condition. Last evaluated: 2026-03-31. Review status: criteria provided, single submitter. Criteria: ACMG Guidelines, 2015. Collection method: clinical testing. Allele origin: germline.
Comment: The SCN10A c.446G>A variant is predicted to result in the amino acid substitution p.Arg149Gln. To our knowledge, this variant has not been reported in the literature. This variant is reported in 0.017% of alleles in individuals of Latino descent in gnomAD. Although we suspect that this variant may be benign, at this time, the clinical significance of this variant is uncertain due to the absence of conclusive functional and genetic evidence.

Labcorp Genetics (formerly Invitae), Labcorp
Classification: Uncertain significance for Brugada syndrome. Last evaluated: 2025-12-26. Review status: criteria provided, single submitter. Criteria: Invitae Variant Classification Sherloc (09022015). Collection method: clinical testing. Allele origin: germline.
Comment: This sequence change replaces arginine, which is basic and polar, with glutamine, which is neutral and polar, at codon 149 of the SCN10A protein (p.Arg149Gln). This variant is present in population databases (rs201706560, gnomAD 0.02%). This variant has not been reported in the literature in individuals affected with SCN10A-related conditions. ClinVar contains an entry for this variant (Variation ID: 393033). Invitae Evidence Modeling of protein sequence and biophysical properties (such as structural, functional, and spatial information, amino acid conservation, physicochemical variation, residue mobility, and thermodynamic stability) indicates that this missense variant is not expected to disrupt SCN10A protein function with a negative predictive value of 95%. In summary, the available evidence is currently insufficient to determine the role of this variant in disease. Therefore, it has been classified as a Variant of Uncertain Significance.

Women's Health and Genetics/Laboratory Corporation of America, LabCorp
Classification: Likely benign. Last evaluated: 2025-06-23. Review status: criteria provided, single submitter. Criteria: LabCorp Variant Classification Summary - May 2015. Collection method: clinical testing. Allele origin: germline.
Comment: Variant summary: SCN10A c.446G>A (p.Arg149Gln) results in a conservative amino acid change in the encoded protein sequence. Algorithms developed to predict the effect of missense changes on protein structure and function all suggest that this variant is likely to be tolerated. The variant allele was found at a frequency of 4.4e-05 in 1609636 control chromosomes. The observed variant frequency is approximately 7.057 fold of the estimated maximal expected allele frequency for a pathogenic variant in SCN10A causing Arrhythmia phenotype (6.3e-06). To our knowledge, no occurrence of c.446G>A in individuals affected with Arrhythmia and no experimental evidence demonstrating its impact on protein function have been reported. ClinVar contains an entry for this variant (Variation ID: 393033). Based on the evidence outlined above, the variant was classified as likely benign.

Ambry Genetics
Classification: Likely benign for Cardiovascular phenotype. Last evaluated: 2021-02-04. Review status: criteria provided, single submitter. Criteria: Ambry Variant Classification Scheme 2023. Collection method: clinical testing. Allele origin: germline.

Literature cited by the submitters: PubMed 30664616 (cited by Ambry Genetics).